The following is an entry in ClinVar:

NM_000168.6(GLI3):c.2720del (p.Ser907fs)

Gene: GLI3 (GLI family zinc finger 3; minus strand). Cytogenetic location: 7p14.1.
Variant type: Deletion.
Coding change: c.2720del on transcript NM_000168.6 (MANE Select); coding-DNA position 2720, one base deleted (G; older notation c.2720delG).
Protein change: p.Ser907fs; shifts the reading frame from serine 907.
Molecular consequence: frameshift variant.
Genome position (GRCh38, 1-based): chr7:41,966,353, C deleted on the plus strand (G on the coding strand, the reverse complement: GLI3 is on the minus strand). VCF-style (leftmost placement, unchanged base first): chr7-41966352-GC-G. GRCh37 (hg19) VCF-style: chr7-42005950-GC-G.
Other names: short protein forms S907fs.
Identifiers: ClinVar variation 951633 (VCV000951633.9), dbSNP rs1787182897, ClinGen allele CA1139660048.

ClinVar aggregate classification (germline): Pathogenic (1 of 4 stars; one submission).

Conditions:
Greig cephalopolysyndactyly syndrome (GCPS). Also called: Greig syndrome; GLI3-Related Greig Cephalopolysyndactyly Syndrome; POLYSYNDACTYLY WITH PECULIAR SKULL SHAPE. Identifiers: Orphanet 380, MedGen C0265306, MONDO:0008287, OMIM 175700.
Pallister-Hall syndrome (PHS). Also called: GLI3-Related Pallister-Hall Syndrome; HYPOTHALAMIC HAMARTOBLASTOMA, HYPOPITUITARISM, IMPERFORATE ANUS, AND POSTAXIAL POLYDACTYLY. Identifiers: Orphanet 672, MedGen C0265220, MONDO:0007804, OMIM 146510.

Submission:

Labcorp Genetics (formerly Invitae), Labcorp
Classification: Pathogenic for Pallister-Hall syndrome; Greig cephalopolysyndactyly syndrome. Last evaluated: 2019-06-20. Review status: criteria provided, single submitter. Criteria: Invitae Variant Classification Sherloc (09022015). Collection method: clinical testing. Allele origin: germline.
Comment: For these reasons, this variant has been classified as Pathogenic. This variant disrupts the C-terminus of the GLI3 protein. Other variant(s) that disrupt this region (p.Tyr1108*) have been determined to be pathogenic (PMID: 27231705, 15739154). This suggests that variants that disrupt this region of the protein are likely to be causative of disease. This variant has not been reported in the literature in individuals with GLI3-related conditions. This variant is not present in population databases (ExAC no frequency). This sequence change results in a premature translational stop signal in the GLI3 gene (p.Ser907Thrfs*45). While this is not anticipated to result in nonsense mediated decay, it is expected to disrupt the last 674 amino acids of the GLI3 protein.

Literature cited by the submitters: PubMed 27231705; PubMed 15739154.